The following is an entry in ClinVar:

NM_006231.4(POLE):c.5111_5115dup (p.Met1706fs)

Gene: POLE (DNA polymerase epsilon, catalytic subunit; minus strand). Cytogenetic location: 12q24.33.
Variant type: Duplication.
Coding change: c.5111_5115dup on transcript NM_006231.4 (MANE Select); coding-DNA positions 5111 to 5115, 5 bases duplicated (TTGTC; older notation c.5111_5115dupTTGTC).
Protein change: p.Met1706fs; shifts the reading frame from methionine 1706.
Molecular consequence: frameshift variant.
Genome position (GRCh38, 1-based): chr12:132,642,235-132,642,239, GACAA duplicated on the plus strand (TTGTC on the coding strand, the reverse complement: POLE is on the minus strand); duplicating any 5 consecutive bases within chr12:132,642,235-132,642,243 gives the same sequence; the c. name uses the placement nearest the transcript's 3' end. VCF-style (leftmost placement, unchanged base first): chr12-132642234-T-TGACAA. GRCh37 (hg19) VCF-style: chr12-133218820-T-TGACAA.
Other names: short protein forms M1706fs.
Identifiers: ClinVar variation 1435651 (VCV001435651.8), dbSNP rs2138529662, ClinGen allele CA2573148191.

ClinVar aggregate classification (germline): Pathogenic (1 of 4 stars; one submission).

Submission:

Labcorp Genetics (formerly Invitae), Labcorp
Classification: Pathogenic. Last evaluated: 2022-05-12. Review status: criteria provided, single submitter. Criteria: Invitae Variant Classification Sherloc (09022015). Collection method: clinical testing. Allele origin: germline.
Comment: This sequence change creates a premature translational stop signal (p.Met1706Leufs*57) in the POLE gene. It is expected to result in an absent or disrupted protein product. Loss-of-function variants in POLE are known to be pathogenic (PMID: 23230001, 25948378, 30503519). This variant is not present in population databases (gnomAD no frequency). This variant has not been reported in the literature in individuals affected with POLE-related conditions. For these reasons, this variant has been classified as Pathogenic.

Literature cited by the submitters: PubMed 23230001; PubMed 25948378; PubMed 30503519.